The following is an entry in ClinVar:

ClinVar aggregate classification (germline): Uncertain significance (1 of 4 stars; one submission).

Allele frequency attached by ClinVar (database versions not stated): gnomAD exomes below 0.00001; gnomAD 0.00002; TOPMed 0.00002.
gnomAD v4.1: 5 of 1,613,918 alleles (0.00031%); highest among the groups gnomAD compares: Non-Finnish European, 0.00042%; no homozygotes.

Submission:

GeneDx
Classification: Uncertain significance. Last evaluated: 2023-03-30. Review status: criteria provided, single submitter. Criteria: GeneDx Variant Classification Process June 2021. Collection method: clinical testing. Allele origin: germline. Affected: yes.
Comment: Not observed at significant frequency in large population cohorts (gnomAD); In silico analysis supports that this missense variant has a deleterious effect on protein structure/function; Has not been previously published as pathogenic or benign to our knowledge

NM_194248.3(OTOF):c.5621A>T (p.Asp1874Val)

Gene: OTOF (otoferlin; minus strand). Cytogenetic location: 2p23.3.
Variant type: single nucleotide variant.
Coding change: c.5621A>T on transcript NM_194248.3 (MANE Select); coding-DNA position 5621, A replaced by T.
Protein change: p.Asp1874Val; replaces aspartic acid 1874 with valine.
Molecular consequence: missense variant.
Genome position (GRCh38, 1-based): chr2:26,460,943, T>A on the plus strand (A>T on the coding strand, the complement: OTOF is on the minus strand). VCF-style: chr2-26460943-T-A. GRCh37 (hg19) VCF-style: chr2-26683811-T-A.
Other names: c.5621A>T, p.Asp1874Val (NM_001287489.2); c.3320A>T, p.Asp1107Val (NM_004802.4, NM_194323.3); c.3551A>T, p.Asp1184Val (NM_194322.3); short protein forms D1107V, D1184V, D1874V.
Identifiers: ClinVar variation 2582172 (VCV002582172.1), dbSNP rs1207009239, ClinGen allele CA346130348.